The following is an entry in ClinVar:

NM_022817.3(PER2):c.1617A>G (p.Lys539=)

Gene: PER2 (period circadian regulator 2; minus strand). Cytogenetic location: 2q37.3.
Variant type: single nucleotide variant.
Coding change: c.1617A>G on transcript NM_022817.3 (MANE Select); coding-DNA position 1617, A replaced by G.
Protein change: p.Lys539=; no amino-acid change (lysine 539 retained).
Molecular consequence: synonymous variant.
Genome position (GRCh38, 1-based): chr2:238,259,979, T>C on the plus strand (A>G on the coding strand, the complement: PER2 is on the minus strand). VCF-style: chr2-238259979-T-C. GRCh37 (hg19) VCF-style: chr2-239168620-T-C.
Identifiers: ClinVar variation 3049581 (VCV003049581.2), dbSNP rs2469820819, ClinGen allele CA431995448.
Genomic context (GRCh38, chr2:238,259,979, plus strand): 5'-TGGCCATACTCTAGTTTCAGTAAGGAAATGTTGAATATTTTTTTTTTTACCTGTAACGGA[T>C]TTTTTCTTTTGTTCTCCAGATTCATGAGAATAATGACTTCTATTTTTGGTCTTGTTACCA-3'
Protein context (NP_073728.1, residues 529-549): YSHESGEQKK[Lys539=]SVTEMQTNPP

ClinVar aggregate classification (germline): Likely benign (0 of 4 stars; one submission).

Conditions:
PER2-related disorder. Also called: PER2-related condition.

Submission:

PreventionGenetics, part of Exact Sciences
Classification: Likely benign for PER2-related condition. Last evaluated: 2019-07-09. Review status: no assertion criteria provided. Collection method: clinical testing. Allele origin: germline.
Comment: This variant is classified as likely benign based on ACMG/AMP sequence variant interpretation guidelines (Richards et al. 2015 PMID: 25741868, with internal and published modifications).